The following is an entry in ClinVar:

ClinVar aggregate classification (germline): Pathogenic (1 of 4 stars; one submission).

Conditions:
Alagille syndrome due to a JAG1 point mutation. Also called: JAG1-Related Alagille Syndrome; Alagille Syndrome 1; HEPATIC DUCTULAR HYPOPLASIA, SYNDROMATIC. Identifiers: Orphanet 261619, Orphanet 52, MedGen C1956125, MONDO:0016862, OMIM 118450.

Submission:

Labcorp Genetics (formerly Invitae), Labcorp
Classification: Pathogenic for Alagille syndrome due to a JAG1 point mutation. Last evaluated: 2018-11-20. Review status: criteria provided, single submitter. Criteria: Invitae Variant Classification Sherloc (09022015). Collection method: clinical testing. Allele origin: germline.
Comment: For these reasons, this variant has been classified as Pathogenic. Loss-of-function variants in JAG1 are known to be pathogenic (PMID: 11180599). Algorithms developed to predict the effect of sequence changes on RNA splicing suggest that this variant may create or strengthen a splice site, but this prediction has not been confirmed by published transcriptional studies. This variant has been observed in several individuals affected with Alagille syndrome (PMID: 24748328, 11139247). This variant is not present in population databases (ExAC no frequency). This sequence change creates a premature translational stop signal (p.Glu48*) in the JAG1 gene. It is expected to result in an absent or disrupted protein product.

Literature cited by the submitters: PubMed 11180599; PubMed 24748328; PubMed 11139247.

NM_000214.3(JAG1):c.142G>T (p.Glu48Ter)

Gene: JAG1 (jagged canonical Notch ligand 1; minus strand). Cytogenetic location: 20p12.2.
Variant type: single nucleotide variant.
Coding change: c.142G>T on transcript NM_000214.3 (MANE Select); coding-DNA position 142, G replaced by T.
Protein change: p.Glu48Ter; replaces glutamic acid 48 with a stop codon.
Molecular consequence: nonsense.
Genome position (GRCh38, 1-based): chr20:10,672,946, C>A on the plus strand (G>T on the coding strand, the complement: JAG1 is on the minus strand). VCF-style: chr20-10672946-C-A. GRCh37 (hg19) VCF-style: chr20-10653594-C-A.
Other names: c.142G>T, p.Glu48Ter (LRG_1191t1); short protein forms E48*.
Identifiers: ClinVar variation 640223 (VCV000640223.8), dbSNP rs1600196580, ClinGen allele CA408243665.